The following is an entry in ClinVar:

NM_001267550.2(TTN):c.52547G>A (p.Trp17516Ter)

Genes: TTN (titin; minus strand), TTN-AS1 (TTN antisense RNA 1; plus strand), LOC126806425 (BRD4-independent group 4 enhancer GRCh37_chr2:179471933-179473132; plus strand). Cytogenetic location: 2q31.2.
Variant type: single nucleotide variant.
Coding change: c.52547G>A on transcript NM_001267550.2 (MANE Select); coding-DNA position 52547, G replaced by A.
Protein change: p.Trp17516Ter; replaces tryptophan 17516 with a stop codon.
Molecular consequence: nonsense.
Genome position (GRCh38, 1-based): chr2:178,608,336, C>T on the plus strand (G>A on the coding strand, the complement: TTN is on the minus strand). VCF-style: chr2-178608336-C-T. GRCh37 (hg19) VCF-style: chr2-179473063-C-T.
Other names: c.47624G>A, p.Trp15875Ter (NM_001256850.1); c.25352G>A, p.Trp8451Ter (NM_003319.4); c.44843G>A, p.Trp14948Ter (NM_133378.4); c.25727G>A, p.Trp8576Ter (NM_133432.3); c.25928G>A, p.Trp8643Ter (NM_133437.4); short protein forms W14948*, W15875*, W17516*, W8451*, W8576*, W8643*.
Identifiers: ClinVar variation 3754388 (VCV003754388.4).

ClinVar aggregate classification (germline): Likely pathogenic. Review status: criteria provided, multiple submitters, no conflicts (2 of 4 stars). 2 submissions from 2 submitters: Likely pathogenic (2). Last evaluated 2024-02-03.

Conditions:
Dilated cardiomyopathy 1G (CMD1G). Identifiers: Orphanet 154, MedGen C1858763, MONDO:0011400, OMIM 604145.
Autosomal recessive limb-girdle muscular dystrophy type 2J (LGMDR10). Also called: MUSCULAR DYSTROPHY, LIMB-GIRDLE, AUTOSOMAL RECESSIVE 10; Limb-girdle muscular dystrophy, type 2J. Identifiers: Orphanet 140922, MedGen C1837342, MONDO:0012127, OMIM 608807.

Submissions (2):

Labcorp Genetics (formerly Invitae), Labcorp
Classification: Likely pathogenic for Dilated cardiomyopathy 1G; Autosomal recessive limb-girdle muscular dystrophy type 2J. Last evaluated: 2024-02-03. Review status: criteria provided, single submitter. Criteria: Invitae Variant Classification Sherloc (09022015). Collection method: clinical testing. Allele origin: germline.
Comment: This sequence change creates a premature translational stop signal (p.Trp17516*) in the TTN gene. While this is not anticipated to result in nonsense mediated decay, it is expected to create a truncated TTN protein. This variant is not present in population databases (gnomAD no frequency). This variant has not been reported in the literature in individuals affected with TTN-related conditions. This variant is located in the A band of TTN (PMID: 25589632). Truncating variants in this region are significantly overrepresented in patients affected with dilated cardiomyopathy (PMID: 25589632). Truncating variants in this region have also been reported in individuals affected with autosomal recessive centronuclear myopathy (PMID: 23975875). In summary, the currently available evidence indicates that the variant is pathogenic, but additional data are needed to prove that conclusively. Therefore, this variant has been classified as Likely Pathogenic.

Juno Genomics, Hangzhou Juno Genomics, Inc
Classification: Likely pathogenic for Dilated cardiomyopathy 1G. Review status: criteria provided, single submitter. Criteria: ACMG Guidelines, 2015. Collection method: clinical testing. Allele origin: germline.
Comment: Absent from controls (or at extremely low frequency if recessive) in Genome Aggregation Database.;Null variant in a gene where loss of function (LOF) is a known mechanism of disease.

Literature cited by the submitters: PubMed 25589632 (cited by Labcorp Genetics (formerly Invitae), Labcorp); PubMed 23975875 (cited by Labcorp Genetics (formerly Invitae), Labcorp).